The following is an entry in ClinVar:

NM_001388492.1(HTT):c.3802C>T (p.Arg1268Cys)

Gene: HTT (huntingtin; plus strand). Cytogenetic location: 4p16.3.
Variant type: single nucleotide variant.
Coding change: c.3802C>T on transcript NM_001388492.1 (MANE Select); coding-DNA position 3802, C replaced by T.
Protein change: p.Arg1268Cys; replaces arginine 1268 with cysteine.
Molecular consequence: missense variant.
Genome position (GRCh38, 1-based): chr4:3,160,330, C>T. VCF-style: chr4-3160330-C-T. GRCh37 (hg19) VCF-style: chr4-3162057-C-T.
Other names: c.3808C>T, p.Arg1270Cys (NM_002111.8); short protein forms R1268C, R1270C.
Identifiers: ClinVar variation 1402382 (VCV001402382.6), dbSNP rs779780620, ClinGen allele CA2824233.

ClinVar aggregate classification (germline): Uncertain significance (1 of 4 stars; one submission).

Allele frequency attached by ClinVar (database versions not stated): gnomAD exomes 0.00004 and 0.00006; ExAC 0.00005; gnomAD 0.00006 and 0.00007; TOPMed 0.00008.
gnomAD v4.1: 90 of 1,554,494 alleles (0.0058%); highest among the groups gnomAD compares: Non-Finnish European, 0.0075%; no homozygotes.

Submission:

Labcorp Genetics (formerly Invitae), Labcorp
Classification: Uncertain significance. Last evaluated: 2022-07-26. Review status: criteria provided, single submitter. Criteria: Invitae Variant Classification Sherloc (09022015). Collection method: clinical testing. Allele origin: germline.
Comment: In summary, the available evidence is currently insufficient to determine the role of this variant in disease. Therefore, it has been classified as a Variant of Uncertain Significance. Experimental studies and prediction algorithms are not available or were not evaluated, and the functional significance of this variant is currently unknown. ClinVar contains an entry for this variant (Variation ID: 1402382). This variant has not been reported in the literature in individuals affected with HTT-related conditions. This variant is present in population databases (rs779780620, gnomAD 0.008%). This sequence change replaces arginine, which is basic and polar, with cysteine, which is neutral and slightly polar, at codon 1270 of the HTT protein (p.Arg1270Cys).